The following is an entry in ClinVar:

ClinVar aggregate classification (germline): Pathogenic (1 of 4 stars; one submission).

Conditions:
Ellis-van Creveld syndrome (EVC). Also called: MESOECTODERMAL DYSPLASIA; Chondroectodermal dysplasia. Identifiers: Orphanet 289, MedGen C0013903, MONDO:0009162, OMIM 225500.

Submission:

Myriad Genetics, Inc.
Classification: Pathogenic for Ellis-van Creveld syndrome. Last evaluated: 2023-08-22. Review status: criteria provided, single submitter. Criteria: Myriad Autosomal Dominant, Autosomal Recessive and X-Linked Classification Criteria (2023). Collection method: clinical testing. Allele origin: unknown.
Comment: NM_153717.2(EVC):c.2523_2524insTGCC(G842Cfs*6) is expected to be pathogenic in the context of EVC-related Ellis-van Creveld syndrome. This variant is predicted to lead to an abnormal or absent protein product due to the creation of a premature termination codon in EVC, a gene where loss-of-function variants are known to be pathogenic. Please note: this variant was assessed in the context of healthy population screening.

NM_153717.3(EVC):c.2523_2524insTGCC (p.Gly842fs)

Gene: EVC (EvC ciliary complex subunit 1; plus strand). Cytogenetic location: 4p16.2.
Variant type: Insertion.
Coding change: c.2523_2524insTGCC on transcript NM_153717.3 (MANE Select); coding-DNA positions 2523 to 2524, TGCC inserted.
Protein change: p.Gly842fs; shifts the reading frame from glycine 842.
Molecular consequence: frameshift variant.
Genome position: GRCh38 VCF-style: chr4-5804803-A-ATGCC. GRCh37 (hg19) VCF-style: chr4-5806530-A-ATGCC.
Other names: c.2523_2524insTGCC, p.Gly842fs (NM_001306090.2); short protein forms G842fs.
Identifiers: ClinVar variation 5011442 (VCV005011442.1).